The following is an entry in ClinVar:

NM_004415.4(DSP):c.3692A>C (p.Asp1231Ala)

Gene: DSP (desmoplakin; plus strand). Cytogenetic location: 6p24.3.
Variant type: single nucleotide variant.
Coding change: c.3692A>C on transcript NM_004415.4 (MANE Select); coding-DNA position 3692, A replaced by C.
Protein change: p.Asp1231Ala; replaces aspartic acid 1231 with alanine.
Molecular consequence: missense variant. On other transcripts: intron variant (1).
Genome position (GRCh38, 1-based): chr6:7,579,882, A>C. VCF-style: chr6-7579882-A-C. GRCh37 (hg19) VCF-style: chr6-7580115-A-C.
Other names: c.3692A>C (LRG_423t1); c.3692A>C, p.Asp1231Ala (NM_001319034.2); c.3582+110A>C (NM_001008844.3); short protein forms D1231A.
Identifiers: ClinVar variation 648622 (VCV000648622.11), dbSNP rs1581816117, ClinGen allele CA362684646.

ClinVar aggregate classification (germline): Uncertain significance (1 of 4 stars; one submission).

Conditions:
Arrhythmogenic cardiomyopathy with wooly hair and keratoderma. Also called: Arrhythmogenic cardiomyopathy with woolly hair and keratoderma; Carvajal syndrome; PALMOPLANTAR KERATODERMA WITH LEFT VENTRICULAR CARDIOMYOPATHY AND WOOLLY HAIR; Dilated cardiomyopathy with woolly hair and keratoderma. Identifiers: Orphanet 65282, MedGen C1854063, MONDO:0011581, OMIM 605676.
Arrhythmogenic right ventricular dysplasia 8 (ARVD8). Also called: Arrhythmogenic Right Ventricular Dysplasia/Cardiomyopathy 8; ARRHYTHMOGENIC RIGHT VENTRICULAR DYSPLASIA, FAMILIAL, 8; ARRHYTHMOGENIC RIGHT VENTRICULAR CARDIOMYOPATHY 8. Identifiers: MedGen C1843896, MONDO:0011831, OMIM 607450.

Submission:

Labcorp Genetics (formerly Invitae), Labcorp
Classification: Uncertain significance for Arrhythmogenic cardiomyopathy with wooly hair and keratoderma; Arrhythmogenic right ventricular dysplasia 8. Last evaluated: 2019-10-29. Review status: criteria provided, single submitter. Criteria: Invitae Variant Classification Sherloc (09022015). Collection method: clinical testing. Allele origin: germline.
Comment: In summary, the available evidence is currently insufficient to determine the role of this variant in disease. Therefore, it has been classified as a Variant of Uncertain Significance. Algorithms developed to predict the effect of missense changes on protein structure and function (SIFT, PolyPhen-2, Align-GVGD) all suggest that this variant is likely to be disruptive, but these predictions have not been confirmed by published functional studies and their clinical significance is uncertain. This variant has not been reported in the literature in individuals with DSP-related conditions. ClinVar contains an entry for this variant (Variation ID: 648622). This variant is not present in population databases (ExAC no frequency). This sequence change replaces aspartic acid with alanine at codon 1231 of the DSP protein (p.Asp1231Ala). The aspartic acid residue is highly conserved and there is a moderate physicochemical difference between aspartic acid and alanine.